The following is an entry in ClinVar:

ClinVar aggregate classification (germline): Likely pathogenic (1 of 4 stars; one submission).

Conditions:
Pontocerebellar hypoplasia type 1A (PCH1A). Also called: PONTOCEREBELLAR HYPOPLASIA WITH ANTERIOR HORN CELL DISEASE; PONTOCEREBELLAR HYPOPLASIA WITH INFANTILE SPINAL MUSCULAR ATROPHY. Identifiers: Orphanet 2254, Orphanet 88616, MedGen C1843504, MONDO:0011866, OMIM 607596.

gnomAD v4.1: 1 of 1,612,952 alleles (0.000062%); highest among the groups gnomAD compares: South Asian, 0.0011%; no homozygotes.

Submission:

Labcorp Genetics (formerly Invitae), Labcorp
Classification: Likely pathogenic for Pontocerebellar hypoplasia type 1A. Last evaluated: 2019-05-24. Review status: criteria provided, single submitter. Criteria: Invitae Variant Classification Sherloc (09022015). Collection method: clinical testing. Allele origin: germline.
Comment: This variant is not present in population databases (ExAC no frequency). This sequence change affects a donor splice site in intron 10 of the VRK1 gene. It is expected to disrupt RNA splicing and likely results in an absent or disrupted protein product. This variant has not been reported in the literature in individuals with VRK1-related conditions. In summary, the currently available evidence indicates that the variant is pathogenic, but additional data are needed to prove that conclusively. Therefore, this variant has been classified as Likely Pathogenic. Donor and acceptor splice site variants typically lead to a loss of protein function (PMID: 16199547), and loss-of-function variants in VRK1 are known to be pathogenic (PMID: 19646678). Algorithms developed to predict the effect of sequence changes on RNA splicing suggest that this variant may disrupt the consensus splice site, but this prediction has not been confirmed by published transcriptional studies.

Literature cited by the submitters: PubMed 16199547; PubMed 19646678.

NM_003384.3(VRK1):c.889+1G>A

Gene: VRK1 (VRK serine/threonine kinase 1; plus strand). Cytogenetic location: 14q32.2.
Variant type: single nucleotide variant.
Coding change: c.889+1G>A on transcript NM_003384.3 (MANE Select); the canonical splice donor site of the intron after coding-DNA position 889, G replaced by A.
Molecular consequence: splice donor variant.
Genome position (GRCh38, 1-based): chr14:96,856,587, G>A. VCF-style: chr14-96856587-G-A. GRCh37 (hg19) VCF-style: chr14-97322924-G-A.
Other names: c.889+1G>A (NM_001411051.1, NM_001411053.1).
Identifiers: ClinVar variation 941929 (VCV000941929.10), dbSNP rs1482696609, ClinGen allele CA390931789.